The following is an entry in ClinVar:

ClinVar aggregate classification (germline): Uncertain significance (1 of 4 stars; one submission).

Submission:

Labcorp Genetics (formerly Invitae), Labcorp
Classification: Uncertain significance. Last evaluated: 2025-12-28. Review status: criteria provided, single submitter. Criteria: Invitae Variant Classification Sherloc (09022015). Collection method: clinical testing. Allele origin: germline.
Comment: This sequence change replaces histidine, which is basic and polar, with glutamine, which is neutral and polar, at codon 369 of the TECTA protein (p.His369Gln). This variant is not present in population databases (gnomAD no frequency). This variant has not been reported in the literature in individuals affected with TECTA-related conditions. Invitae Evidence Modeling of protein sequence and biophysical properties (such as structural, functional, and spatial information, amino acid conservation, physicochemical variation, residue mobility, and thermodynamic stability) indicates that this missense variant is not expected to disrupt TECTA protein function with a negative predictive value of 95%. In summary, the available evidence is currently insufficient to determine the role of this variant in disease. Therefore, it has been classified as a Variant of Uncertain Significance.

NM_005422.4(TECTA):c.1107C>G (p.His369Gln)

Genes: TBCEL-TECTA (TBCEL-TECTA readthrough; plus strand), TECTA (tectorin alpha; plus strand). Cytogenetic location: 11q23.3.
Variant type: single nucleotide variant.
Coding change: c.1107C>G on transcript NM_005422.4 (MANE Select); coding-DNA position 1107, C replaced by G.
Protein change: p.His369Gln; replaces histidine 369 with glutamine.
Molecular consequence: missense variant.
Genome position (GRCh38, 1-based): chr11:121,118,622, C>G. VCF-style: chr11-121118622-C-G. GRCh37 (hg19) VCF-style: chr11-120989331-C-G.
Other names: c.2064C>G, p.His688Gln (NM_001378761.1); short protein forms H688Q, H369Q.
Identifiers: ClinVar variation 4735586 (VCV004735586.1).
Genomic context (GRCh38, chr11:121,118,622, plus strand): 5'-CCGACAGTGTTTGCAGACTTCCAGCCTCCCTTTCTTCAGTGTGGAGGCCAAGAATGAACA[C>G]CGCAGAGGTTCAGCCGTCTCCTGGGTGAAGGAGCTCTCAGTGGAGGTGAATGGCTACAAG-3'
Protein context (NP_005413.2, residues 359-379): PFFSVEAKNE[His369Gln]RRGSAVSWVK